The following is an entry in ClinVar:

NM_000059.4(BRCA2):c.5603A>G (p.Asp1868Gly)

Gene: BRCA2 (BRCA2 DNA repair associated; plus strand). Cytogenetic location: 13q13.1.
Variant type: single nucleotide variant.
Coding change: c.5603A>G on transcript NM_000059.4 (MANE Select); coding-DNA position 5603, A replaced by G.
Protein change: p.Asp1868Gly; replaces aspartic acid 1868 with glycine.
Molecular consequence: missense variant.
Genome position (GRCh38, 1-based): chr13:32,339,958, A>G. VCF-style: chr13-32339958-A-G. GRCh37 (hg19) VCF-style: chr13-32914095-A-G.
Other names: short protein forms D1868G.
Identifiers: ClinVar variation 743908 (VCV000743908.12), dbSNP rs1170821828, ClinGen allele CA387786066.
Genomic context (GRCh38, chr13:32,339,958, plus strand): 5'-GTGGTAAAATCGTTTGTGTTTCACATGAAACAATTAAAAAAGTGAAAGACATATTTACAG[A>G]CAGTTTCAGTAAAGTAATTAAGGAAAACAACGAGAATAAATCAAAAATTTGCCAAACGAA-3'
Protein context (NP_000050.3, residues 1858-1878): TIKKVKDIFT[Asp1868Gly]SFSKVIKENN

ClinVar aggregate classification (germline): Conflicting classifications of pathogenicity. Review status: criteria provided, conflicting classifications (1 of 4 stars). 4 submissions from 4 submitters: Uncertain significance (2); Likely benign (2). Last evaluated 2025-04-16.

Conditions:
Hereditary cancer-predisposing syndrome. Also called: Neoplastic Syndromes, Hereditary; Hereditary Cancer Syndrome; Tumor predisposition; Hereditary neoplastic syndrome. Identifiers: Orphanet 140162, MedGen C0027672, MeSH D009386, MONDO:0015356.
Hereditary breast ovarian cancer syndrome. Also called: Hereditary breast and ovarian cancer syndrome (HBOC); Hereditary breast and ovarian cancer syndrome; BRCA1- and BRCA2-Associated Hereditary Breast and Ovarian Cancer; Hereditary breast and ovarian cancer; Breast and ovarian cancer; Hereditary breast and/or ovarian cancer syndrome. Identifiers: Orphanet 145, MedGen C0677776, MeSH D061325, MONDO:0003582. Disease mechanism: loss of function.

Allele frequency attached by ClinVar (database versions not stated): gnomAD exomes below 0.00001.
gnomAD v4.1: 1 of 1,609,642 alleles (0.000062%); highest among the groups gnomAD compares: Non-Finnish European, 0.000085%; no homozygotes.

Submissions (4):

Ambry Genetics
Classification: Uncertain significance for Hereditary cancer-predisposing syndrome. Last evaluated: 2025-04-16. Review status: criteria provided, single submitter. Criteria: Ambry Variant Classification Scheme 2023. Collection method: clinical testing. Allele origin: germline.
Comment: The p.D1868G variant (also known as c.5603A>G), located in coding exon 10 of the BRCA2 gene, results from an A to G substitution at nucleotide position 5603. The aspartic acid at codon 1868 is replaced by glycine, an amino acid with similar properties. This amino acid position is not well conserved in available vertebrate species. In addition, the in silico prediction for this alteration is inconclusive. Based on the available evidence, the clinical significance of this variant remains unclear.

Quest Diagnostics Nichols Institute San Juan Capistrano
Classification: Uncertain significance. Last evaluated: 2024-11-27. Review status: criteria provided, single submitter. Criteria: Quest Diagnostics criteria. Collection method: clinical testing. Allele origin: unknown.
Comment: The BRCA2 c.5603A>G (p.Asp1868Gly) variant has been reported in the published literature to be located in a region of the BRCA2 gene that is tolerant to missense sequence changes (PMID: 31911673 (2020)). To the best of our knowledge, this variant has not been reported in individuals with BRCA2-related disorders. The frequency of this variant in the general population, 0.000004 (1/247136 chromosomes (Genome Aggregation Database)), is uninformative in the assessment of its pathogenicity. Analysis of this variant using bioinformatics tools for the prediction of the effect of amino acid changes on protein structure and function yielded conflicting predictions that this variant is benign or damaging. Based on the available information, we are unable to determine the clinical significance of this variant.

University of Washington Department of Laboratory Medicine, University of Washington
Classification: Likely benign for Hereditary cancer-predisposing syndrome. Last evaluated: 2023-03-23. Review status: criteria provided, single submitter. Criteria: Dines et al. (Genet Med. 2020). Collection method: curation. Allele origin: germline.
Comment: Missense variant in a coldspot region where missense variants are very unlikely to be pathogenic (PMID:31911673).

BRCA2 exon 11 coldspot. Reclassification based on statistical prior probability.

Labcorp Genetics (formerly Invitae), Labcorp
Classification: Likely benign for Hereditary breast ovarian cancer syndrome. Last evaluated: 2018-01-24. Review status: criteria provided, single submitter. Criteria: Invitae Variant Classification Sherloc (09022015). Collection method: clinical testing. Allele origin: germline.

Literature cited by the submitters: PubMed 31911673 (cited by Quest Diagnostics Nichols Institute San Juan Capistrano).